The following is an entry in ClinVar:

NM_152594.3(SPRED1):c.376+4G>A

Gene: SPRED1 (sprouty related EVH1 domain containing 1; plus strand). Cytogenetic location: 15q14.
Variant type: single nucleotide variant.
Coding change: c.376+4G>A on transcript NM_152594.3 (MANE Select); 4 bases into the intron after coding-DNA position 376, G replaced by A.
Molecular consequence: intron variant.
Genome position (GRCh38, 1-based): chr15:38,322,413, G>A. VCF-style: chr15-38322413-G-A. GRCh37 (hg19) VCF-style: chr15-38614614-G-A.
Identifiers: ClinVar variation 2196916 (VCV002196916.4), dbSNP rs1477635181, ClinGen allele CA617561330.

ClinVar aggregate classification (germline): Uncertain significance (1 of 4 stars; one submission).

Conditions:
Legius syndrome. Identifiers: Orphanet 137605, MedGen C1969623, MONDO:0012669, OMIM 611431. Disease mechanism: loss of function.

Allele frequency attached by ClinVar (database versions not stated): gnomAD exomes below 0.00001; gnomAD 0.00001; TOPMed 0.00001.
gnomAD v4.1: 4 of 1,612,696 alleles (0.00025%); highest among the groups gnomAD compares: Admixed American, 0.005%; no homozygotes.

Submission:

Labcorp Genetics (formerly Invitae), Labcorp
Classification: Uncertain significance for Legius syndrome. Last evaluated: 2025-08-22. Review status: criteria provided, single submitter. Criteria: Invitae Variant Classification Sherloc (09022015). Collection method: clinical testing. Allele origin: germline.
Comment: This sequence change falls in intron 3 of the SPRED1 gene. It does not directly change the encoded amino acid sequence of the SPRED1 protein. It affects a nucleotide within the consensus splice site. This variant is present in population databases (no rsID available, gnomAD 0.003%). This variant has not been reported in the literature in individuals affected with SPRED1-related conditions. ClinVar contains an entry for this variant (Variation ID: 2196916). Variants that disrupt the consensus splice site are a relatively common cause of aberrant splicing (PMID: 17576681, 9536098). Algorithms developed to predict the effect of sequence changes on RNA splicing suggest that this variant is not likely to affect RNA splicing. In summary, the available evidence is currently insufficient to determine the role of this variant in disease. Therefore, it has been classified as a Variant of Uncertain Significance.

Literature cited by the submitters: PubMed 17576681; PubMed 9536098.